The following is an entry in ClinVar:

ClinVar aggregate classification (germline): Uncertain significance. Review status: criteria provided, multiple submitters, no conflicts (2 of 4 stars). 2 submissions from 2 submitters: Uncertain significance (2). Last evaluated 2023-11-06.

Conditions:
Inborn genetic diseases. Identifiers: MedGen C0950123, MeSH D030342.

Submissions (2):

Ambry Genetics
Classification: Uncertain significance for Inborn genetic diseases. Last evaluated: 2023-11-06. Review status: criteria provided, single submitter. Criteria: Ambry Variant Classification Scheme 2023. Collection method: clinical testing. Allele origin: germline.

Labcorp Genetics (formerly Invitae), Labcorp
Classification: Uncertain significance. Last evaluated: 2022-10-04. Review status: criteria provided, single submitter. Criteria: Invitae Variant Classification Sherloc (09022015). Collection method: clinical testing. Allele origin: germline.
Comment: Advanced modeling of protein sequence and biophysical properties (such as structural, functional, and spatial information, amino acid conservation, physicochemical variation, residue mobility, and thermodynamic stability) performed at Invitae indicates that this missense variant is not expected to disrupt KCNV2 protein function. In summary, the available evidence is currently insufficient to determine the role of this variant in disease. Therefore, it has been classified as a Variant of Uncertain Significance. ClinVar contains an entry for this variant (Variation ID: 1497814). This sequence change replaces threonine, which is neutral and polar, with asparagine, which is neutral and polar, at codon 509 of the KCNV2 protein (p.Thr509Asn). This variant is not present in population databases (gnomAD no frequency). This variant has not been reported in the literature in individuals affected with KCNV2-related conditions.

NM_133497.4(KCNV2):c.1526C>A (p.Thr509Asn)

Gene: KCNV2 (potassium voltage-gated channel modifier subfamily V member 2; plus strand). Cytogenetic location: 9p24.2.
Variant type: single nucleotide variant.
Coding change: c.1526C>A on transcript NM_133497.4 (MANE Select); coding-DNA position 1526, C replaced by A.
Protein change: p.Thr509Asn; replaces threonine 509 with asparagine.
Molecular consequence: missense variant.
Genome position (GRCh38, 1-based): chr9:2,729,615, C>A. VCF-style: chr9-2729615-C-A. GRCh37 (hg19) VCF-style: chr9-2729615-C-A.
Other names: c.1526C>A (NM_133497.3); short protein forms T509N.
Identifiers: ClinVar variation 1497814 (VCV001497814.8), dbSNP rs770113041, ClinGen allele CA372803656.